The following is an entry in ClinVar:

NM_018100.4(EFHC1):c.1225G>A (p.Val409Ile)

Gene: EFHC1 (EF-hand domain containing 1; plus strand). Cytogenetic location: 6p12.2.
Variant type: single nucleotide variant.
Coding change: c.1225G>A on transcript NM_018100.4 (MANE Select); coding-DNA position 1225, G replaced by A.
Protein change: p.Val409Ile; replaces valine 409 with isoleucine.
Molecular consequence: missense variant. On other transcripts: non-coding transcript variant (1).
Genome position (GRCh38, 1-based): chr6:52,469,420, G>A. VCF-style: chr6-52469420-G-A. GRCh37 (hg19) VCF-style: chr6-52334218-G-A.
Other names: c.1168G>A, p.Val390Ile (NM_001172420.2); short protein forms V390I, V409I.
Identifiers: ClinVar variation 1366141 (VCV001366141.5), dbSNP rs766874585, ClinGen allele CA3856020.

ClinVar aggregate classification (germline): Uncertain significance (1 of 4 stars; one submission).

Conditions:
Myoclonic epilepsy, juvenile, susceptibility to, 1. Also called: Myoclonic Epilepsy, Juvenile, 1; EJM1. Identifiers: MedGen C1850778, MONDO:0020752, OMIM 254770.
Typical absence seizure. Identifiers: MedGen C5551411, HP:0011147.

Allele frequency attached by ClinVar (database versions not stated): TOPMed below 0.00001; gnomAD exomes 0.00001 and 0.00002; ExAC 0.00002; gnomAD 0.00003; 1000 Genomes Project 30x 0.00016.
gnomAD v4.1: 16 of 1,613,976 alleles (0.00099%); highest among the groups gnomAD compares: South Asian, 0.0044%; no homozygotes.

Submission:

Labcorp Genetics (formerly Invitae), Labcorp
Classification: Uncertain significance for Myoclonic epilepsy, juvenile, susceptibility to, 1; Absence seizure. Last evaluated: 2021-09-08. Review status: criteria provided, single submitter. Criteria: Invitae Variant Classification Sherloc (09022015). Collection method: clinical testing. Allele origin: germline.
Comment: This sequence change replaces valine with isoleucine at codon 409 of the EFHC1 protein (p.Val409Ile). The valine residue is highly conserved and there is a small physicochemical difference between valine and isoleucine. This variant is present in population databases (rs766874585, ExAC 0.01%). This variant has not been reported in the literature in individuals affected with EFHC1-related conditions. Algorithms developed to predict the effect of missense changes on protein structure and function output the following: SIFT: "Tolerated"; PolyPhen-2: "Benign"; Align-GVGD: "Class C0". The isoleucine amino acid residue is found in multiple mammalian species, which suggests that this missense change does not adversely affect protein function. In summary, the available evidence is currently insufficient to determine the role of this variant in disease. Therefore, it has been classified as a Variant of Uncertain Significance.